The following is an entry in ClinVar:

NM_005458.8(GABBR2):c.896C>T (p.Ser299Leu)

Gene: GABBR2 (gamma-aminobutyric acid type B receptor subunit 2; minus strand). Cytogenetic location: 9q22.33.
Variant type: single nucleotide variant.
Coding change: c.896C>T on transcript NM_005458.8 (MANE Select); coding-DNA position 896, C replaced by T.
Protein change: p.Ser299Leu; replaces serine 299 with leucine.
Molecular consequence: missense variant.
Genome position (GRCh38, 1-based): chr9:98,473,249, G>A on the plus strand (C>T on the coding strand, the complement: GABBR2 is on the minus strand). VCF-style: chr9-98473249-G-A. GRCh37 (hg19) VCF-style: chr9-101235531-G-A.
Other names: short protein forms S299L.
Identifiers: ClinVar variation 3657275 (VCV003657275.2).

ClinVar aggregate classification (germline): Uncertain significance (1 of 4 stars; one submission).

Conditions:
Epileptic encephalopathy. Identifiers: MedGen C0543888, HP:0200134.

Submission:

Labcorp Genetics (formerly Invitae), Labcorp
Classification: Uncertain significance for Epileptic encephalopathy. Last evaluated: 2024-07-02. Review status: criteria provided, single submitter. Criteria: Invitae Variant Classification Sherloc (09022015). Collection method: clinical testing. Allele origin: germline.
Comment: This sequence change replaces serine, which is neutral and polar, with leucine, which is neutral and non-polar, at codon 299 of the GABBR2 protein (p.Ser299Leu). This variant is not present in population databases (gnomAD no frequency). This variant has not been reported in the literature in individuals affected with GABBR2-related conditions. Advanced modeling of protein sequence and biophysical properties (such as structural, functional, and spatial information, amino acid conservation, physicochemical variation, residue mobility, and thermodynamic stability) performed at Invitae indicates that this missense variant is not expected to disrupt GABBR2 protein function with a negative predictive value of 80%. In summary, the available evidence is currently insufficient to determine the role of this variant in disease. Therefore, it has been classified as a Variant of Uncertain Significance.